The following is an entry in ClinVar:

NM_001276345.2(TNNT2):c.811-1G>T

Gene: TNNT2 (troponin T2, cardiac type; minus strand). Cytogenetic location: 1q32.1.
Variant type: single nucleotide variant.
Coding change: c.811-1G>T on transcript NM_001276345.2 (MANE Select); the canonical splice acceptor site of the intron before coding-DNA position 811, G replaced by T.
Molecular consequence: splice acceptor variant.
Genome position (GRCh38, 1-based): chr1:201,359,664, C>A on the plus strand (G>T on the coding strand, the complement: TNNT2 is on the minus strand). VCF-style: chr1-201359664-C-A. GRCh37 (hg19) VCF-style: chr1-201328792-C-A.
Other names: c.772-1G>T (NM_001406727.1, NM_001001431.3, NM_001406726.1); c.781-1G>T (NM_001406724.1, NM_001001430.3, NM_001276347.2); c.763-1G>T (NM_001001432.3); c.766-1G>T (NM_001406728.1); c.778-1G>T (NM_001406725.1); c.682-1G>T (NM_001276346.2); c.802-1G>T (NM_000364.4, NM_001406723.1).
Identifiers: ClinVar variation 926911 (VCV000926911.3), dbSNP rs1658235582, ClinGen allele CA344202474.
Genomic context (GRCh38, chr1:201,359,664, plus strand): 5'-AATGACCTCAGACACTTACACTTTCTGGTTATCGTTGATCCTGTTTCGGAGAACATTGAT[C>A]TGCAAGAAAAGTGGGAAGGACAAAGAGCAACGCTGGAGCTGACTGGCTCAGGTCCCAGGT-3'

ClinVar aggregate classification (germline): Uncertain significance (1 of 4 stars; one submission).

Conditions:
Cardiomyopathy (CMYO). Also called: Cardiomyopathies. Identifiers: Orphanet 167848, MedGen C0878544, MONDO:0004994, HP:0001638. Inheritance: Various modes of inheritance.

Submission:

Color Diagnostics, LLC DBA Color Health
Classification: Uncertain significance for Cardiomyopathy. Last evaluated: 2019-06-26. Review status: criteria provided, single submitter. Criteria: ACMG Guidelines, 2015. Collection method: clinical testing. Allele origin: germline.
Comment: This variant alters intron 14 canonical splice acceptor site of the TNNT2 gene. Computational splicing tools suggest that this variant may disrupt RNA splicing. To our knowledge, functional studies have not been performed for this variant. This variant has not been reported in individuals affected with cardiovascular disorders in the literature. This variant has not been identified in the general population by the Genome Aggregation Database (gnomAD). Clinical significance of loss-of-function truncation and splice variants in the TNNT2 gene is not clearly established. Available evidence is insufficient to determine the role of this variant in disease conclusively. Therefore, this variant is classified as a Variant of Uncertain Significance.